The following is an entry in ClinVar:

NM_007363.5(NONO):c.1171+1G>T

Gene: NONO (non-POU domain containing octamer binding; plus strand). Cytogenetic location: Xq13.1.
Variant type: single nucleotide variant.
Coding change: c.1171+1G>T on transcript NM_007363.5 (MANE Select); the canonical splice donor site of the intron after coding-DNA position 1171, G replaced by T.
Molecular consequence: splice donor variant.
Genome position (GRCh38, 1-based): chrX:71,298,509, G>T. VCF-style: chrX-71298509-G-T. GRCh37 (hg19) VCF-style: chrX-70518359-G-T.
Other names: c.1171+1G>T (NM_001145408.2, NM_001145409.2); c.904+1G>T (NM_001145410.2).
Identifiers: ClinVar variation 235099 (VCV000235099.6), dbSNP rs876661316, ClinGen allele CA10581227.

ClinVar aggregate classification (germline): Pathogenic. Review status: no assertion criteria provided (0 of 4 stars). 2 submissions from 2 submitters: Pathogenic (2). Last evaluated 2019-09-16.

Conditions:
Intellectual developmental disorder, X-linked, syndromic 34. Also called: Syndromic X-linked intellectual disability 34; MENTAL RETARDATION, X-LINKED, SYNDROMIC, MIRCSOF-LANGOUET TYPE. Identifiers: Orphanet 466791, MedGen C4225417, MONDO:0010501, OMIM 300967.

Submissions (2):

Daryl Scott Lab, Baylor College of Medicine
Classification: Pathogenic for Intellectual developmental disorder, X-linked, syndromic 34. Last evaluated: 2019-09-16. Review status: no assertion criteria provided. Collection method: clinical testing. Allele origin: de novo. Inheritance: X-linked inheritance. Affected: yes. Observed: 1 hemizygote.

emedgene Technologies
Classification: Pathogenic for Intellectual developmental disorder, X-linked, syndromic 34. Last evaluated: 2016-02-01. Review status: no assertion criteria provided. Collection method: research. Allele origin: de novo. Inheritance: X-linked recessive inheritance. Affected: yes. Observed: 1 variant allele, 1 hemizygote.
Comment: For more information see: Reinstein et al. "Intellectual disability and non-compaction cardiomyopathy with a de-novo NONO mutation identified by exome sequencing"